The following is an entry in ClinVar:

ClinVar aggregate classification (germline): Likely pathogenic (1 of 4 stars; one submission).

Submission:

Labcorp Genetics (formerly Invitae), Labcorp
Classification: Likely pathogenic. Last evaluated: 2021-05-01. Review status: criteria provided, single submitter. Criteria: Invitae Variant Classification Sherloc (09022015). Collection method: clinical testing. Allele origin: germline.
Comment: This variant has not been reported in the literature in individuals with CDH23-related conditions. Algorithms developed to predict the effect of sequence changes on RNA splicing suggest that this variant may disrupt the consensus splice site, but this prediction has not been confirmed by published transcriptional studies. In summary, the currently available evidence indicates that the variant is pathogenic, but additional data are needed to prove that conclusively. Therefore, this variant has been classified as Likely Pathogenic. This variant is not present in population databases (ExAC no frequency). This sequence change affects an acceptor splice site in intron 12 of the CDH23 gene. It is expected to disrupt RNA splicing. Variants that disrupt the donor or acceptor splice site typically lead to a loss of protein function (PMID: 16199547), and loss-of-function variants in CDH23 are known to be pathogenic (PMID: 11138009, 21940737).

Literature cited by the submitters: PubMed 16199547; PubMed 11138009; PubMed 21940737.

NM_022124.6(CDH23):c.1141-1G>A

Gene: CDH23 (cadherin related 23; plus strand). Cytogenetic location: 10q22.1.
Variant type: single nucleotide variant.
Coding change: c.1141-1G>A on transcript NM_022124.6 (MANE Select); the canonical splice acceptor site of the intron before coding-DNA position 1141, G replaced by A.
Molecular consequence: splice acceptor variant.
Genome position (GRCh38, 1-based): chr10:71,645,830, G>A. VCF-style: chr10-71645830-G-A. GRCh37 (hg19) VCF-style: chr10-73405587-G-A.
Other names: c.1141-1G>A (NM_001171930.2, NM_001171931.2, NM_052836.4).
Identifiers: ClinVar variation 1483383 (VCV001483383.8), dbSNP rs2132594619, ClinGen allele CA377127368.